The following is an entry in ClinVar:

ClinVar aggregate classification (germline): Likely benign. Review status: criteria provided, multiple submitters, no conflicts (2 of 4 stars). 2 submissions from 2 submitters: Likely benign (2). Last evaluated 2024-05-07.

Allele frequency attached by ClinVar (database versions not stated): TOPMed below 0.00001; gnomAD 0.00001; gnomAD exomes 0.00001.
gnomAD v4.1: 19 of 1,612,540 alleles (0.0012%); highest among the groups gnomAD compares: Non-Finnish European, 0.0014%; no homozygotes.

Submissions (2):

Labcorp Genetics (formerly Invitae), Labcorp
Classification: Likely benign. Last evaluated: 2024-05-07. Review status: criteria provided, single submitter. Criteria: Invitae Variant Classification Sherloc (09022015). Collection method: clinical testing. Allele origin: germline.

CeGaT Center for Human Genetics Tuebingen
Classification: Likely benign. Last evaluated: 2023-01-01. Review status: criteria provided, single submitter. Criteria: CeGaT Center For Human Genetics Tuebingen Variant Classification Criteria Version 2. Collection method: clinical testing. Allele origin: germline. Affected: yes. Observed: 1 variant allele.
Comment: CAMTA1: BP4, BP7

NM_015215.4(CAMTA1):c.1716C>T (p.Gly572=)

Gene: CAMTA1 (calmodulin binding transcription activator 1; plus strand). Cytogenetic location: 1p36.23.
Variant type: single nucleotide variant.
Coding change: c.1716C>T on transcript NM_015215.4 (MANE Select); coding-DNA position 1716, C replaced by T.
Protein change: p.Gly572=; no amino-acid change (glycine 572 retained).
Molecular consequence: synonymous variant.
Genome position (GRCh38, 1-based): chr1:7,664,263, C>T. VCF-style: chr1-7664263-C-T. GRCh37 (hg19) VCF-style: chr1-7724323-C-T.
Other names: c.1626C>T, p.Gly542= (NM_001349608.2, NM_001349612.2); c.1716C>T, p.Gly572= (NM_001349609.2, NM_001349610.2, NM_001410737.1); c.1644C>T, p.Gly548= (NM_001410738.1).
Identifiers: ClinVar variation 2638135 (VCV002638135.26), dbSNP rs944402593, ClinGen allele CA17244781.
Genomic context (GRCh38, chr1:7,664,263, plus strand): 5'-GGCGGCTGTGGCAGCCAGCTCCCTCACCCTGACCGCCGGCTCCAGCCTCCTGCCGTCGGG[C>T]GGCGGCCTGAGTCCCAGCACCACCCTGGAGCAGATGGACTTCAGCGCCATCGACTCCAAC-3'
Protein context (NP_056030.1, residues 562-582): LTAGSSLLPS[Gly572=]GGLSPSTTLE